The following is an entry in ClinVar:

ClinVar aggregate classification (germline): Uncertain significance (1 of 4 stars; one submission).

Conditions:
Mowat-Wilson syndrome (MOWS). Also called: Classic Mowat-Wilson Syndrome. Identifiers: Orphanet 2152, MedGen C1856113, MONDO:0009341, OMIM 235730.

Submission:

Labcorp Genetics (formerly Invitae), Labcorp
Classification: Uncertain significance for Mowat-Wilson syndrome. Last evaluated: 2024-06-30. Review status: criteria provided, single submitter. Criteria: Invitae Variant Classification Sherloc (09022015). Collection method: clinical testing. Allele origin: germline.
Comment: This sequence change creates a premature translational stop signal (p.Glu1182*) in the ZEB2 gene. While this is not anticipated to result in nonsense mediated decay, it is expected to disrupt the last 33 amino acid(s) of the ZEB2 protein. This variant is not present in population databases (gnomAD no frequency). This variant has not been reported in the literature in individuals affected with ZEB2-related conditions. Experimental studies and prediction algorithms are not available or were not evaluated, and the functional significance of this variant is currently unknown. In summary, the available evidence is currently insufficient to determine the role of this variant in disease. Therefore, it has been classified as a Variant of Uncertain Significance.

NM_014795.4(ZEB2):c.3544G>T (p.Glu1182Ter)

Gene: ZEB2 (zinc finger E-box binding homeobox 2; minus strand). Cytogenetic location: 2q22.3.
Variant type: single nucleotide variant.
Coding change: c.3544G>T on transcript NM_014795.4 (MANE Select); coding-DNA position 3544, G replaced by T.
Protein change: p.Glu1182Ter; replaces glutamic acid 1182 with a stop codon.
Molecular consequence: nonsense.
Genome position (GRCh38, 1-based): chr2:144,389,552, C>A on the plus strand (G>T on the coding strand, the complement: ZEB2 is on the minus strand). VCF-style: chr2-144389552-C-A. GRCh37 (hg19) VCF-style: chr2-145147119-C-A.
Other names: c.3472G>T, p.Glu1158Ter (NM_001171653.2); short protein forms E1158*, E1182*.
Identifiers: ClinVar variation 3689882 (VCV003689882.2).